The following is an entry in ClinVar:

NM_000548.5(TSC2):c.849-2dup

Gene: TSC2 (TSC complex subunit 2; plus strand). Cytogenetic location: 16p13.3.
Variant type: Duplication.
Coding change: c.849-2dup on transcript NM_000548.5 (MANE Select); the canonical splice acceptor site of the intron before coding-DNA position 849, one base duplicated (A; older notation c.849-2dupA).
Molecular consequence: splice acceptor variant.
Genome position (GRCh38, 1-based): chr16:2,058,745, A duplicated. VCF-style (leftmost placement, unchanged base first): chr16-2058744-T-TA. GRCh37 (hg19) VCF-style: chr16-2108745-T-TA.
Other names: c.-583-2dup (NM_001406693.1, NM_001406689.1, NM_001406690.1 and 4 more transcripts); c.249-2dup (NM_001406680.1, NM_001406683.1, NM_001406687.1 and 6 more transcripts); c.939-2dup (NM_001406667.1, NM_001406668.1); c.-759-2dup (NM_001406698.1); c.849-2dup (NM_001114382.3, NM_001406663.1, NM_001406664.1 and 6 more transcripts); c.-464-2dup (NM_001406694.1, NM_001406695.1); c.837-2dup (NM_001406671.1, NM_001406673.1); c.387-2dup (NM_001406681.1); and 4 more.
Identifiers: ClinVar variation 3462599 (VCV003462599.1).

ClinVar aggregate classification (germline): Uncertain significance (1 of 4 stars; one submission).

Conditions:
Hereditary cancer-predisposing syndrome. Also called: Tumor predisposition; Neoplastic Syndromes, Hereditary; Hereditary neoplastic syndrome; Hereditary Cancer Syndrome. Identifiers: Orphanet 140162, MedGen C0027672, MeSH D009386, MONDO:0015356.

Submission:

Ambry Genetics
Classification: Uncertain significance for Hereditary cancer-predisposing syndrome. Last evaluated: 2024-08-27. Review status: criteria provided, single submitter. Criteria: Ambry Variant Classification Scheme 2023. Collection method: clinical testing. Allele origin: germline.
Comment: The c.849-2dupA intronic variant is located 2 nucleotides before coding exon 9 in the TSC2 gene. This variant results from a duplication of one nucleotide at position c.849-2. This variant does not change the sequence of the canonical acceptor at this splice site. This nucleotide position is highly conserved in available vertebrate species. In silico splice site analysis predicts that this alteration may weaken the native splice acceptor site; however, direct evidence is insufficient at this time (Ambry internal data). Based on the available evidence, the clinical significance of this variant remains unclear.